The following is an entry in ClinVar:

ClinVar aggregate classification (germline): Likely benign. Review status: criteria provided, multiple submitters, no conflicts (2 of 4 stars). 2 submissions from 2 submitters: Likely benign (2). Last evaluated 2024-11-20.

Conditions:
Nemaline myopathy 2 (NEM2). Also called: Nemaline myopathy 2, autosomal recessive. Identifiers: MedGen C1850569, MONDO:0009725, OMIM 256030.

Allele frequency attached by ClinVar (database versions not stated): gnomAD 0.00001; gnomAD exomes 0.00001; TOPMed 0.00002.
gnomAD v4.1: 17 of 1,613,664 alleles (0.0011%); highest among the groups gnomAD compares: Middle Eastern, 0.033%; no homozygotes.

Submissions (2):

Labcorp Genetics (formerly Invitae), Labcorp
Classification: Likely benign for Nemaline myopathy 2. Last evaluated: 2024-11-20. Review status: criteria provided, single submitter. Criteria: Invitae Variant Classification Sherloc (09022015). Collection method: clinical testing. Allele origin: germline.

GeneDx
Classification: Likely benign. Last evaluated: 2017-05-18. Review status: criteria provided, single submitter. Criteria: GeneDx Variant Classification (06012015). Collection method: clinical testing. Allele origin: germline. Affected: yes.
Comment: This variant is considered likely benign or benign based on one or more of the following criteria: it is a conservative change, it occurs at a poorly conserved position in the protein, it is predicted to be benign by multiple in silico algorithms, and/or has population frequency not consistent with disease.

NM_001164508.2(NEB):c.1803T>C (p.Tyr601=)

Gene: NEB (nebulin; minus strand). Cytogenetic location: 2q23.3.
Variant type: single nucleotide variant.
Coding change: c.1803T>C on transcript NM_001164508.2 (MANE Select); coding-DNA position 1803, T replaced by C.
Protein change: p.Tyr601=; no amino-acid change (tyrosine 601 retained).
Molecular consequence: synonymous variant.
Genome position (GRCh38, 1-based): chr2:151,694,416, A>G on the plus strand (T>C on the coding strand, the complement: NEB is on the minus strand). VCF-style: chr2-151694416-A-G. GRCh37 (hg19) VCF-style: chr2-152550930-A-G.
Other names: c.1803T>C, p.Tyr601= (NM_001164507.2, NM_001271208.2, NM_004543.5).
Identifiers: ClinVar variation 509644 (VCV000509644.10), dbSNP rs775413813, ClinGen allele CA429453729.